The following is an entry in ClinVar:

NM_000051.4(ATM):c.5304A>G (p.Arg1768=)

Gene: ATM (ATM serine/threonine kinase; plus strand). Cytogenetic location: 11q22.3.
Variant type: single nucleotide variant.
Coding change: c.5304A>G on transcript NM_000051.4 (MANE Select); coding-DNA position 5304, A replaced by G.
Protein change: p.Arg1768=; no amino-acid change (arginine 1768 retained).
Molecular consequence: synonymous variant.
Genome position (GRCh38, 1-based): chr11:108,301,774, A>G. VCF-style: chr11-108301774-A-G. GRCh37 (hg19) VCF-style: chr11-108172501-A-G.
Other names: c.5304A>G, p.Arg1768= (NM_001351834.2).
Identifiers: ClinVar variation 705578 (VCV000705578.16), dbSNP rs1591709095, ClinGen allele CA476674829.
Genomic context (GRCh38, chr11:108,301,774, plus strand): 5'-TTTCTGGGAGATTTATAAGATGACAACAGATCCAATGCTGGCCTATCTACAGCCTTTTAG[A>G]ACATCAAGAAAAAAGGTCTCTTAAGTAATAAATGTTTATTGAATACCCAGCATATCTAAA-3'
Protein context (NP_000042.3, residues 1758-1778): DPMLAYLQPF[Arg1768=]TSRKKFLEVP

ClinVar aggregate classification (germline): Benign/Likely benign. Review status: criteria provided, multiple submitters, no conflicts (2 of 4 stars). 4 submissions from 4 submitters: Benign (1); Likely benign (3). Last evaluated 2024-11-03.

Conditions:
Familial cancer of breast. Also called: BREAST CANCER, FAMILIAL; Hereditary breast cancer; hereditary breast carcinoma. Identifiers: Orphanet 227535, MedGen C0346153, MONDO:0016419, OMIM 114480. Disease mechanism: loss of function.
Hereditary cancer-predisposing syndrome. Also called: Tumor predisposition; Hereditary neoplastic syndrome; Neoplastic Syndromes, Hereditary; Hereditary Cancer Syndrome. Identifiers: Orphanet 140162, MedGen C0027672, MeSH D009386, MONDO:0015356.
Ataxia-telangiectasia syndrome (AT). Also called: LOUIS-BAR SYNDROME; Ataxia-telangiectasia; Cerebello-oculocutaneous telangiectasia; Immunodeficiency with ataxia telangiectasia; Ataxia telangiectasia (A-T); Ataxia-telangiectasia, complementation group D. Identifiers: Orphanet 100, MedGen C0004135, MONDO:0008840, OMIM 208900.

Allele frequency attached by ClinVar (database versions not stated): TOPMed 0.00001.

Submissions (4):

Labcorp Genetics (formerly Invitae), Labcorp
Classification: Likely benign for Ataxia-telangiectasia syndrome. Last evaluated: 2024-11-03. Review status: criteria provided, single submitter. Criteria: Invitae Variant Classification Sherloc (09022015). Collection method: clinical testing. Allele origin: germline.

Myriad Genetics, Inc.
Classification: Benign for Familial cancer of breast. Last evaluated: 2024-05-22. Review status: criteria provided, single submitter. Criteria: Myriad Autosomal Dominant, Autosomal Recessive and X-Linked Classification Criteria (2023). Collection method: clinical testing. Allele origin: unknown.
Comment: This variant is considered benign. This variant is a silent/synonymous amino acid change and it is not expected to impact splicing.

Color Diagnostics, LLC DBA Color Health
Classification: Likely benign for Hereditary cancer-predisposing syndrome. Last evaluated: 2022-06-13. Review status: criteria provided, single submitter. Criteria: ACMG Guidelines, 2015. Collection method: clinical testing. Allele origin: germline.

Ambry Genetics
Classification: Likely benign for Hereditary cancer-predisposing syndrome. Last evaluated: 2021-07-20. Review status: criteria provided, single submitter. Criteria: Ambry Variant Classification Scheme 2023. Collection method: clinical testing. Allele origin: germline.